The following is an entry in ClinVar:

ClinVar aggregate classification (germline): Uncertain significance (0 of 4 stars; one submission).

Conditions:
SEMA3C-related disorder. Also called: SEMA3C-related condition.

Submission:

PreventionGenetics, part of Exact Sciences
Classification: Uncertain significance for SEMA3C-related condition. Last evaluated: 2024-07-02. Review status: no assertion criteria provided. Collection method: clinical testing. Allele origin: germline.
Comment: The SEMA3C c.149C>T variant is predicted to result in the amino acid substitution p.Thr50Ile. To our knowledge, this variant has not been reported in the literature or in a large population database, indicating this variant is rare. At this time, the clinical significance of this variant is uncertain due to the absence of conclusive functional and genetic evidence.

NM_006379.5(SEMA3C):c.95C>T (p.Thr32Ile)

Gene: SEMA3C (semaphorin 3C; minus strand). Cytogenetic location: 7q21.11.
Variant type: single nucleotide variant.
Coding change: c.95C>T on transcript NM_006379.5 (MANE Select); coding-DNA position 95, C replaced by T.
Protein change: p.Thr32Ile; replaces threonine 32 with isoleucine.
Molecular consequence: missense variant. On other transcripts: 5 prime UTR variant (1).
Genome position (GRCh38, 1-based): chr7:80,916,687, G>A on the plus strand (C>T on the coding strand, the complement: SEMA3C is on the minus strand). VCF-style: chr7-80916687-G-A. GRCh37 (hg19) VCF-style: chr7-80546003-G-A.
Other names: c.149C>T, p.Thr50Ile (NM_001350120.2); c.-168C>T (NM_001350121.2); short protein forms T32I, T50I.
Identifiers: ClinVar variation 3351330 (VCV003351330.1).